The following is an entry in ClinVar:

ClinVar aggregate classification (germline): Uncertain significance (1 of 4 stars; one submission).

Conditions:
DiGeorge syndrome. Also called: THIRD AND FOURTH PHARYNGEAL POUCH SYNDROME; Catch22. Identifiers: Orphanet 567, MedGen C0012236, MONDO:0008564, OMIM 188400.

Allele frequency attached by ClinVar (database versions not stated): TOPMed below 0.00001; ExAC 0.00001.

Submission:

Labcorp Genetics (formerly Invitae), Labcorp
Classification: Uncertain significance for DiGeorge syndrome. Last evaluated: 2024-11-27. Review status: criteria provided, single submitter. Criteria: Invitae Variant Classification Sherloc (09022015). Collection method: clinical testing. Allele origin: germline.
Comment: This sequence change replaces leucine, which is neutral and non-polar, with phenylalanine, which is neutral and non-polar, at codon 427 of the TBX1 protein (p.Leu427Phe). The frequency data for this variant in the population databases is considered unreliable, as metrics indicate poor data quality at this position in the gnomAD database. This variant has not been reported in the literature in individuals affected with TBX1-related conditions. ClinVar contains an entry for this variant (Variation ID: 2859696). An algorithm developed to predict the effect of missense changes on protein structure and function (PolyPhen-2) suggests that this variant is likely to be disruptive. In summary, the available evidence is currently insufficient to determine the role of this variant in disease. Therefore, it has been classified as a Variant of Uncertain Significance.

NM_001379200.1(TBX1):c.1306C>T (p.Leu436Phe)

Gene: TBX1 (T-box transcription factor 1; plus strand). Cytogenetic location: 22q11.21.
Variant type: single nucleotide variant.
Coding change: c.1306C>T on transcript NM_001379200.1 (MANE Select); coding-DNA position 1306, C replaced by T.
Protein change: p.Leu436Phe; replaces leucine 436 with phenylalanine.
Molecular consequence: missense variant. On other transcripts: intron variant (2).
Genome position (GRCh38, 1-based): chr22:19,766,658, C>T. VCF-style: chr22-19766658-C-T. GRCh37 (hg19) VCF-style: chr22-19754181-C-T.
Other names: c.1279C>T, p.Leu427Phe (NM_080647.1); c.1009+656C>T (NM_005992.1, NM_080646.2); short protein forms L427F, L436F.
Identifiers: ClinVar variation 2859696 (VCV002859696.3), dbSNP rs769522876, ClinGen allele CA10102705.